The following is an entry in ClinVar:

ClinVar aggregate classification (germline): Uncertain significance (1 of 4 stars; one submission).

Conditions:
Predisposition to invasive fungal disease due to CARD9 deficiency (IMD103). Also called: CARD9 IMMUNODEFICIENCY; Candidiasis, familial, 2, autosomal recessive; IMMUNODEFICIENCY 103, SUSCEPTIBILITY TO FUNGAL INFECTIONS. Identifiers: Orphanet 457088, MedGen C1859353, MONDO:0008905, OMIM 212050.

Submission:

Labcorp Genetics (formerly Invitae), Labcorp
Classification: Uncertain significance for Predisposition to invasive fungal disease due to CARD9 deficiency. Last evaluated: 2021-04-23. Review status: criteria provided, single submitter. Criteria: Invitae Variant Classification Sherloc (09022015). Collection method: clinical testing. Allele origin: germline.
Comment: In summary, the available evidence is currently insufficient to determine the role of this variant in disease. Therefore, it has been classified as a Variant of Uncertain Significance. Algorithms developed to predict the effect of missense changes on protein structure and function (SIFT, PolyPhen-2, Align-GVGD) all suggest that this variant is likely to be tolerated, but these predictions have not been confirmed by published functional studies and their clinical significance is uncertain. This variant has not been reported in the literature in individuals with CARD9-related conditions. This variant is not present in population databases (ExAC no frequency). This sequence change replaces aspartic acid with alanine at codon 521 of the CARD9 protein (p.Asp521Ala). The aspartic acid residue is moderately conserved and there is a moderate physicochemical difference between aspartic acid and alanine.

NM_052813.5(CARD9):c.1562A>C (p.Asp521Ala)

Gene: CARD9 (caspase recruitment domain family member 9; minus strand). Cytogenetic location: 9q34.3.
Variant type: single nucleotide variant.
Coding change: c.1562A>C on transcript NM_052813.5 (MANE Select); coding-DNA position 1562, A replaced by C.
Protein change: p.Asp521Ala; replaces aspartic acid 521 with alanine.
Molecular consequence: missense variant. On other transcripts: intron variant (1).
Genome position (GRCh38, 1-based): chr9:136,364,351, T>G on the plus strand (A>C on the coding strand, the complement: CARD9 is on the minus strand). VCF-style: chr9-136364351-T-G. GRCh37 (hg19) VCF-style: chr9-139258803-T-G.
Other names: c.1442-189A>C (NM_052814.4); short protein forms D521A.
Identifiers: ClinVar variation 1345984 (VCV001345984.8), dbSNP rs2131430673, ClinGen allele CA375540748.
Genomic context (GRCh38, chr9:136,364,351, plus strand): 5'-CGCTGCTGCGGCTAGGAGCCCTCAGTGTCGGTGTTGTCGCTGCCCGTGGTGTTCTCCCGG[T>G]CCTCCTCCCCCTGCCGCCATCCTTTCTGCATCTTCCTGAGGGCGCGCTTCCTGTGAAGAC-3'
Protein context (NP_434700.2, residues 511-531): MQKGWRQGEE[Asp521Ala]RENTTGSDNT